The following is an entry in ClinVar:

ClinVar aggregate classification (germline): Conflicting classifications of pathogenicity. Review status: criteria provided, conflicting classifications (1 of 4 stars). 3 submissions from 3 submitters: Pathogenic (1); Likely pathogenic (1); Uncertain significance (1). Last evaluated 2026-05-07.

Conditions:
Coffin-Siris syndrome 8. Identifiers: MedGen C5193054, MONDO:0032702, OMIM 618362.

Submissions (3):

GeneDx
Classification: Uncertain significance. Last evaluated: 2026-05-07. Review status: criteria provided, single submitter. Criteria: GeneDx Variant Classification Process June 2021. Collection method: clinical testing. Allele origin: germline.
Comment: De novo variant with confirmed parentage in a patient in the published literature with reported clinical features that are only partially consistent with the features typically observed in individuals with pathogenic variants in this gene (PMID: 41168819); Frameshift variant predicted to result in protein truncation or nonsense mediated decay in a gene for which loss of function is a known mechanism of disease; This variant is associated with the following publications: (PMID: 41168819)

Labcorp Genetics (formerly Invitae), Labcorp
Classification: Pathogenic. Last evaluated: 2023-12-23. Review status: criteria provided, single submitter. Criteria: Invitae Variant Classification Sherloc (09022015). Collection method: clinical testing. Allele origin: germline.
Comment: This sequence change creates a premature translational stop signal (p.Pro1043Leufs*18) in the SMARCC2 gene. It is expected to result in an absent or disrupted protein product. Loss-of-function variants in SMARCC2 are known to be pathogenic (PMID: 30580808). The frequency data for this variant in the population databases is considered unreliable, as metrics indicate poor data quality at this position in the gnomAD database. This variant has not been reported in the literature in individuals affected with SMARCC2-related conditions. ClinVar contains an entry for this variant (Variation ID: 2500290). For these reasons, this variant has been classified as Pathogenic.

Equipe Genetique des Anomalies du Developpement, Université de Bourgogne
Classification: Likely pathogenic for Coffin-Siris syndrome 8. Last evaluated: 2023-03-23. Review status: criteria provided, single submitter. Criteria: ACMG Guidelines, 2015. Collection method: clinical testing. Allele origin: de novo. Inheritance: Autosomal dominant inheritance. Affected: yes.

Literature cited by the submitters: PubMed 30580808 (cited by Labcorp Genetics (formerly Invitae), Labcorp).

NM_001330288.2(SMARCC2):c.3221del (p.Pro1074fs)

Gene: SMARCC2 (SWI/SNF related BAF chromatin remodeling complex subunit C2; minus strand). Cytogenetic location: 12q13.2.
Variant type: Deletion.
Coding change: c.3221del on transcript NM_001330288.2 (MANE Select); coding-DNA position 3221, one base deleted (C; older notation c.3221delC).
Protein change: p.Pro1074fs; shifts the reading frame from proline 1074.
Molecular consequence: frameshift variant.
Genome position (GRCh38, 1-based): chr12:56,165,329, G deleted on the plus strand (C on the coding strand, the reverse complement: SMARCC2 is on the minus strand); the first of 8 consecutive G bases (chr12:56,165,329-56,165,336); deleting any one gives the same sequence. VCF-style (leftmost placement, unchanged base first): chr12-56165328-AG-A. GRCh37 (hg19) VCF-style: chr12-56559112-AG-A.
Other names: c.3221del, p.Pro1074fs (NM_001130420.3, NM_139067.4); c.3128del, p.Pro1043fs (NM_003075.5); c.3128del (NM_003075.3); short protein forms P1043fs, P1074fs.
Identifiers: ClinVar variation 2500290 (VCV002500290.6), dbSNP rs752001894, ClinGen allele CA6625615.